The following is an entry in ClinVar:

ClinVar aggregate classification (germline): Uncertain significance. Review status: criteria provided, multiple submitters, no conflicts (2 of 4 stars). 6 submissions from 6 submitters: Uncertain significance (6). Last evaluated 2026-08-27.

Conditions:
CAV3-related disorder. Also called: CAV3-related condition.
Cardiovascular phenotype. Identifiers: MedGen CN230736.
Long QT syndrome (LQTS). Identifiers: MedGen C0023976, MeSH D008133, MONDO:0002442. Disease mechanism: loss of function. Inheritance: Various modes of inheritance.

Allele frequency attached by ClinVar (database versions not stated): gnomAD exomes below 0.00001 and 0.00001; ExAC 0.00001; TOPMed 0.00001; gnomAD 0.00002.
gnomAD v4.1: 14 of 1,613,908 alleles (0.00087%); highest among the groups gnomAD compares: African/African-American, 0.004%; no homozygotes.

Submissions (6):

PreventionGenetics, part of Exact Sciences
Classification: Uncertain significance for CAV3-related condition. Last evaluated: 2026-08-27. Review status: criteria provided, single submitter. Criteria: ACMG Guidelines, 2015. Collection method: clinical testing. Allele origin: germline.
Comment: The CAV3 c.376C>T variant is predicted to result in the amino acid substitution p.Arg126Cys. This variant has been reported in individuals with cardiomyopathy; however, evidence to support pathogenicity was not provided (Table S3, Goli et al. 2021. PubMed ID: 33874732; Table S1, Ware et al. 2022. PubMed ID: 35026164). This variant is reported in 0.0040% of alleles in individuals of African descent in gnomAD, and it is consistently classified as uncertain in the ClinVar database (Variation ID: 279735). At this time, the clinical significance of this variant is uncertain due to the absence of conclusive functional and genetic evidence.

CeGaT Center for Human Genetics Tuebingen
Classification: Uncertain significance. Last evaluated: 2025-01-01. Review status: criteria provided, single submitter. Criteria: CeGaT Center For Human Genetics Tuebingen Variant Classification Criteria Version 2. Collection method: clinical testing. Allele origin: germline. Affected: yes. Observed: 1 variant allele.

Ambry Genetics
Classification: Uncertain significance for Cardiovascular phenotype. Last evaluated: 2024-02-13. Review status: criteria provided, single submitter. Criteria: Ambry Variant Classification Scheme 2023. Collection method: clinical testing. Allele origin: germline.
Comment: The p.R126C variant (also known as c.376C>T), located in coding exon 2 of the CAV3 gene, results from a C to T substitution at nucleotide position 376. The arginine at codon 126 is replaced by cysteine, an amino acid with highly dissimilar properties. This alteration has been reported in a peripartum cardiomyopathy cohort and a pediatric cardiomyopathy cohort (Goli R et al. Circulation, 2021 May;143:1852-1862; Ware SM et al. Am J Hum Genet, 2022 Feb;109:282-298). This amino acid position is not well conserved in available vertebrate species. In addition, this alteration is predicted to be deleterious by in silico analysis. Based on the available evidence, the clinical significance of this alteration remains unclear.

Blueprint Genetics
Classification: Uncertain significance. Last evaluated: 2022-10-11. Review status: criteria provided, single submitter. Criteria: ACMG Guidelines, 2015. Collection method: clinical testing. Allele origin: germline.

Labcorp Genetics (formerly Invitae), Labcorp
Classification: Uncertain significance for Long QT syndrome. Last evaluated: 2021-08-31. Review status: criteria provided, single submitter. Criteria: Invitae Variant Classification Sherloc (09022015). Collection method: clinical testing. Allele origin: germline.
Comment: This sequence change replaces arginine with cysteine at codon 126 of the CAV3 protein (p.Arg126Cys). The arginine residue is moderately conserved and there is a large physicochemical difference between arginine and cysteine. This variant is present in population databases (rs776563500, ExAC 0.001%). This variant has not been reported in the literature in individuals affected with CAV3-related conditions. ClinVar contains an entry for this variant (Variation ID: 279735). Algorithms developed to predict the effect of missense changes on protein structure and function (SIFT, PolyPhen-2, Align-GVGD) all suggest that this variant is likely to be disruptive. In summary, the available evidence is currently insufficient to determine the role of this variant in disease. Therefore, it has been classified as a Variant of Uncertain Significance.

GeneDx
Classification: Uncertain significance. Last evaluated: 2016-08-04. Review status: criteria provided, single submitter. Criteria: GeneDx Variant Classification (06012015). Collection method: clinical testing. Allele origin: germline. Affected: yes.
Comment: The R126C variant in the CAV3 gene has not been reported previously as a pathogenic variant, nor as a benign variant, to our knowledge. The R126C variant was not observed in approximately 6,500 individuals of European and African American ancestry in the NHLBI Exome Sequencing Project, indicating it is not a common benign variant in these populations. The R126C variant is a non-conservative amino acid substitution, which is likely to impact secondary protein structure as these residues differ in polarity, charge, size and/or other properties. This substitution occurs at a position that is not conserved. In silico analysis predicts this variant is probably damaging to the protein structure/function. Based on currently available evidence, we interpret R126C as a variant of uncertain significance.

Literature cited by the submitters: PubMed 33874732 (cited by Ambry Genetics); PubMed 35026164 (cited by Ambry Genetics).

NM_033337.3(CAV3):c.376C>T (p.Arg126Cys)

Genes: CAV3 (caveolin 3; plus strand), OXTR (oxytocin receptor; minus strand). Cytogenetic location: 3p25.3.
Variant type: single nucleotide variant.
Coding change: c.376C>T on transcript NM_033337.3 (MANE Select); coding-DNA position 376, C replaced by T.
Protein change: p.Arg126Cys; replaces arginine 126 with cysteine.
Molecular consequence: missense variant.
Genome position (GRCh38, 1-based): chr3:8,745,787, C>T. VCF-style: chr3-8745787-C-T. GRCh37 (hg19) VCF-style: chr3-8787473-C-T.
Other names: c.376C>T, p.Arg126Cys (NM_001234.5); short protein forms R126C.
Identifiers: ClinVar variation 279735 (VCV000279735.22), dbSNP rs776563500, ClinGen allele CA2236358.